The following is an entry in ClinVar:

NM_004247.4(EFTUD2):c.2347+5G>A

Gene: EFTUD2 (elongation factor Tu GTP binding domain containing 2; minus strand). Cytogenetic location: 17q21.31.
Variant type: single nucleotide variant.
Coding change: c.2347+5G>A on transcript NM_004247.4 (MANE Select); 5 bases into the intron after coding-DNA position 2347, G replaced by A.
Molecular consequence: intron variant.
Genome position (GRCh38, 1-based): chr17:44,854,264, C>T on the plus strand (G>A on the coding strand, the complement: EFTUD2 is on the minus strand). VCF-style: chr17-44854264-C-T. GRCh37 (hg19) VCF-style: chr17-42931632-C-T.
Other names: c.2242+5G>A (NM_001142605.2); c.2317+5G>A (NM_001258354.2); c.2347+5G>A (NM_001258353.2).
Identifiers: ClinVar variation 4855337 (VCV004855337.1).

ClinVar aggregate classification (germline): Uncertain significance (1 of 4 stars; one submission).

Conditions:
Mandibulofacial dysostosis-microcephaly syndrome (MFDGA). Also called: Growth and mental retardation, mandibulofacial dysostosis, microcephaly, and cleft palate; Mandibulofacial dysostosis, Guion-Almeida type. Identifiers: Orphanet 79113, MedGen C1864652, MONDO:0012516, OMIM 610536.

Submission:

3billion
Classification: Uncertain significance for Mandibulofacial dysostosis-microcephaly syndrome. Last evaluated: 2025-05-15. Review status: criteria provided, single submitter. Criteria: ACMG Guidelines, 2015. Collection method: clinical testing. Allele origin: germline. Affected: yes.
Comment: The variant is not observed in the gnomAD v4.1.0 dataset. Predicted Consequence/Location: Intron variant In silico tools predict the variant to alter splicing and produce an abnormal transcript [SpliceAI: 0.79 (>=0.2, moderate evidence for spliceogenicity)]. Therefore, this variant is classified as VUS according to the recommendation of ACMG/AMP guideline.